The following is an entry in ClinVar:

ClinVar aggregate classification (germline): Uncertain significance (1 of 4 stars; one submission).

Conditions:
Pityriasis rubra pilaris (PRP). Also called: Pityriasis rubra pilaris--familial type. Identifiers: Orphanet 2897, MedGen C0032027, MONDO:0100017, OMIM 173200, MONDO:0008251.
Psoriasis 2. Identifiers: MedGen C1864497, MONDO:0011269, OMIM 602723.

Allele frequency attached by ClinVar (database versions not stated): gnomAD 0.00002 and 0.00003; gnomAD exomes 0.00002 and 0.00008; TOPMed 0.00005; ExAC 0.00017; 1000 Genomes Project 0.00020; 1000 Genomes Project 30x 0.00031.
gnomAD v4.1: 38 of 1,574,854 alleles (0.0024%); highest among the groups gnomAD compares: Admixed American, 0.03%; no homozygotes.

Submission:

Labcorp Genetics (formerly Invitae), Labcorp
Classification: Uncertain significance for Pityriasis rubra pilaris; Psoriasis 2. Last evaluated: 2025-10-06. Review status: criteria provided, single submitter. Criteria: Invitae Variant Classification Sherloc (09022015). Collection method: clinical testing. Allele origin: germline.
Comment: This sequence change replaces alanine, which is neutral and non-polar, with threonine, which is neutral and polar, at codon 186 of the CARD14 protein (p.Ala186Thr). The frequency data for this variant in the population databases is considered unreliable, as metrics indicate poor data quality at this position in the gnomAD database. This variant has not been reported in the literature in individuals affected with CARD14-related conditions. ClinVar contains an entry for this variant (Variation ID: 458106). Invitae Evidence Modeling of protein sequence and biophysical properties (such as structural, functional, and spatial information, amino acid conservation, physicochemical variation, residue mobility, and thermodynamic stability) indicates that this missense variant is not expected to disrupt CARD14 protein function with a negative predictive value of 95%. In summary, the available evidence is currently insufficient to determine the role of this variant in disease. Therefore, it has been classified as a Variant of Uncertain Significance.

NM_001366385.1(CARD14):c.556G>A (p.Ala186Thr)

Gene: CARD14 (caspase recruitment domain family member 14; plus strand). Cytogenetic location: 17q25.3.
Variant type: single nucleotide variant.
Coding change: c.556G>A on transcript NM_001366385.1 (MANE Select); coding-DNA position 556, G replaced by A.
Protein change: p.Ala186Thr; replaces alanine 186 with threonine.
Molecular consequence: missense variant. On other transcripts: non-coding transcript variant (1).
Genome position (GRCh38, 1-based): chr17:80,184,119, G>A. VCF-style: chr17-80184119-G-A. GRCh37 (hg19) VCF-style: chr17-78157918-G-A.
Other names: c.556G>A, p.Ala186Thr (NM_001257970.1, NM_024110.4); short protein forms A186T.
Identifiers: ClinVar variation 458106 (VCV000458106.9), dbSNP rs190213582, ClinGen allele CA8816448.